The following is an entry in ClinVar:

NM_004006.3(DMD):c.2831A>G (p.Tyr944Cys)

Gene: DMD (dystrophin; minus strand). Cytogenetic location: Xp21.1.
Variant type: single nucleotide variant.
Coding change: c.2831A>G on transcript NM_004006.3 (MANE Select); coding-DNA position 2831, A replaced by G.
Protein change: p.Tyr944Cys; replaces tyrosine 944 with cysteine.
Molecular consequence: missense variant.
Genome position (GRCh38, 1-based): chrX:32,472,282, T>C on the plus strand (A>G on the coding strand, the complement: DMD is on the minus strand). VCF-style: chrX-32472282-T-C. GRCh37 (hg19) VCF-style: chrX-32490399-T-C.
Other names: c.2819A>G, p.Tyr940Cys (NM_004009.3); c.2462A>G, p.Tyr821Cys (NM_004010.3); c.2807A>G, p.Tyr936Cys (NM_000109.4); short protein forms Y944C, Y821C, Y940C, Y936C.
Identifiers: ClinVar variation 1460913 (VCV001460913.3), dbSNP rs2148485775, ClinGen allele CA412668232.

ClinVar aggregate classification (germline): Uncertain significance (1 of 4 stars; one submission).

Conditions:
Duchenne muscular dystrophy (DMD). Also called: Duchenne Muscular Dystrophy (DMD); MUSCULAR DYSTROPHY, PSEUDOHYPERTROPHIC PROGRESSIVE, DUCHENNE TYPE. Identifiers: Orphanet 98896, MedGen C0013264, MONDO:0010679, OMIM 310200.

gnomAD v4.1: 1 of 1,209,221 alleles (0.000083%); highest among the groups gnomAD compares: East Asian, 0.003%; no homozygotes.

Submission:

Labcorp Genetics (formerly Invitae), Labcorp
Classification: Uncertain significance for Duchenne muscular dystrophy. Last evaluated: 2021-08-06. Review status: criteria provided, single submitter. Criteria: Invitae Variant Classification Sherloc (09022015). Collection method: clinical testing. Allele origin: germline.
Comment: This sequence change replaces tyrosine with cysteine at codon 944 of the DMD protein (p.Tyr944Cys). The tyrosine residue is highly conserved and there is a large physicochemical difference between tyrosine and cysteine. This variant is not present in population databases (ExAC no frequency). This variant has not been reported in the literature in individuals affected with DMD-related conditions. Algorithms developed to predict the effect of missense changes on protein structure and function are either unavailable or do not agree on the potential impact of this missense change (SIFT: "Tolerated"; PolyPhen-2: "Probably Damaging"; Align-GVGD: "Class C15"). In summary, the available evidence is currently insufficient to determine the role of this variant in disease. Therefore, it has been classified as a Variant of Uncertain Significance.